The following is an entry in ClinVar:

NM_000548.5(TSC2):c.1840-18C>G

Gene: TSC2 (TSC complex subunit 2; plus strand). Cytogenetic location: 16p13.3.
Variant type: single nucleotide variant.
Coding change: c.1840-18C>G on transcript NM_000548.5 (MANE Select); 18 bases into the intron before coding-DNA position 1840, C replaced by G.
Molecular consequence: intron variant.
Genome position (GRCh38, 1-based): chr16:2,071,492, C>G. VCF-style: chr16-2071492-C-G. GRCh37 (hg19) VCF-style: chr16-2121493-C-G.
Other names: c.1840-18C>G (NM_001370404.1, NM_001077183.3, NM_001114382.3 and 3 more transcripts); c.1729-18C>G (NM_001318827.2); c.1240-18C>G (NM_001318831.2); c.1693-18C>G (NM_001318829.2); c.1873-18C>G (NM_001318832.2).
Identifiers: ClinVar variation 2146264 (VCV002146264.4), dbSNP rs2151295417, ClinGen allele CA2580090600.

ClinVar aggregate classification (germline): Uncertain significance (1 of 4 stars; one submission).

Conditions:
Tuberous sclerosis 2 (TSC2). Identifiers: Orphanet 805, MedGen C1860707, MONDO:0013199, OMIM 613254.

Allele frequency attached by ClinVar (database versions not stated): gnomAD exomes below 0.00001.
gnomAD v4.1: 1 of 1,613,240 alleles (0.000062%); highest among the groups gnomAD compares: East Asian, 0.0022%; no homozygotes.

Submission:

Labcorp Genetics (formerly Invitae), Labcorp
Classification: Uncertain significance for Tuberous sclerosis 2. Last evaluated: 2022-12-09. Review status: criteria provided, single submitter. Criteria: Invitae Variant Classification Sherloc (09022015). Collection method: clinical testing. Allele origin: germline.
Comment: Algorithms developed to predict the effect of sequence changes on RNA splicing suggest that this variant may create or strengthen a splice site. This variant has not been reported in the literature in individuals affected with TSC2-related conditions. This variant is not present in population databases (gnomAD no frequency). This sequence change falls in intron 17 of the TSC2 gene. It does not directly change the encoded amino acid sequence of the TSC2 protein. In summary, the available evidence is currently insufficient to determine the role of this variant in disease. Therefore, it has been classified as a Variant of Uncertain Significance.